The following is an entry in ClinVar:

ClinVar aggregate classification (germline): Likely pathogenic (1 of 4 stars; one submission).

Conditions:
Autosomal recessive limb-girdle muscular dystrophy type 2J (LGMDR10). Also called: Limb-girdle muscular dystrophy, type 2J; MUSCULAR DYSTROPHY, LIMB-GIRDLE, AUTOSOMAL RECESSIVE 10. Identifiers: Orphanet 140922, MedGen C1837342, MONDO:0012127, OMIM 608807.
Dilated cardiomyopathy 1G (CMD1G). Identifiers: Orphanet 154, MedGen C1858763, MONDO:0011400, OMIM 604145.

Submission:

Labcorp Genetics (formerly Invitae), Labcorp
Classification: Likely pathogenic for Dilated cardiomyopathy 1G; Autosomal recessive limb-girdle muscular dystrophy type 2J. Last evaluated: 2022-03-31. Review status: criteria provided, single submitter. Criteria: Invitae Variant Classification Sherloc (09022015). Collection method: clinical testing. Allele origin: germline.
Comment: In summary, the currently available evidence indicates that the variant is pathogenic, but additional data are needed to prove that conclusively. Therefore, this variant has been classified as Likely Pathogenic. This variant is located in the A band of TTN (PMID: 25589632). Truncating variants in this region are significantly overrepresented in patients affected with dilated cardiomyopathy (PMID: 25589632). Truncating variants in this region have also been reported in individuals affected with autosomal recessive centronuclear myopathy (PMID: 23975875). This variant has not been reported in the literature in individuals affected with TTN-related conditions. This variant is not present in population databases (gnomAD no frequency). This sequence change creates a premature translational stop signal (p.Arg17868Alafs*5) in the TTN gene. While this is not anticipated to result in nonsense mediated decay, it is expected to create a truncated TTN protein.

Literature cited by the submitters: PubMed 25589632; PubMed 23975875.

NM_001267550.2(TTN):c.53602_53603del (p.Arg17868fs)

Genes: TTN-AS1 (TTN antisense RNA 1; plus strand), TTN (titin; minus strand). Cytogenetic location: 2q31.2.
Variant type: Microsatellite.
Coding change: c.53602_53603del on transcript NM_001267550.2 (MANE Select); coding-DNA positions 53602 to 53603, 2 bases deleted (AG; older notation c.53602_53603delAG).
Protein change: p.Arg17868fs; shifts the reading frame from arginine 17868.
Molecular consequence: frameshift variant.
Genome position (GRCh38, 1-based): chr2:178,605,692-178,605,693, CT deleted on the plus strand (AG on the coding strand, the reverse complement: TTN is on the minus strand); deleting any 2 consecutive bases within chr2:178,605,692-178,605,697 gives the same sequence; the c. name uses the placement nearest the transcript's 3' end. VCF-style (leftmost placement, unchanged base first): chr2-178605691-CCT-C. GRCh37 (hg19) VCF-style: chr2-179470418-CCT-C.
Other names: c.48679_48680del, p.Arg16227fs (NM_001256850.1); c.26407_26408del, p.Arg8803fs (NM_003319.4); c.45898_45899del, p.Arg15300fs (NM_133378.4); c.26782_26783del, p.Arg8928fs (NM_133432.3); c.26983_26984del, p.Arg8995fs (NM_133437.4); short protein forms R15300fs, R8995fs, R16227fs, R8803fs, R17868fs, R8928fs.
Identifiers: ClinVar variation 2119747 (VCV002119747.4), dbSNP rs2470202904, ClinGen allele CA2580614522.